The following is an entry in ClinVar:

NM_000049.4(ASPA):c.475del (p.His159fs)

Genes: ASPA (aspartoacylase; plus strand), SPATA22 (spermatogenesis associated 22; minus strand). Cytogenetic location: 17p13.2.
Variant type: Deletion.
Coding change: c.475del on transcript NM_000049.4 (MANE Select); coding-DNA position 475, one base deleted (C; older notation c.475delC).
Protein change: p.His159fs; shifts the reading frame from histidine 159.
Molecular consequence: frameshift variant. On other transcripts: intron variant (2).
Genome position (GRCh38, 1-based): chr17:3,483,541, C deleted. VCF-style (leftmost placement, unchanged base first): chr17-3483540-GC-G. GRCh37 (hg19) VCF-style: chr17-3386834-GC-G.
Other names: c.475del, p.His159fs (NM_001128085.1); c.-73-14143del (NM_001321336.2, NM_001321337.2); short protein forms H159fs.
Identifiers: ClinVar variation 4818446 (VCV004818446.1).

ClinVar aggregate classification (germline): Likely pathogenic (1 of 4 stars; one submission).

Conditions:
Spongy degeneration of central nervous system. Also called: ACY2 DEFICIENCY; AMINOACYLASE 2 DEFICIENCY; ASP DEFICIENCY; ASPA DEFICIENCY; ASPARTOACYLASE DEFICIENCY; CANAVAN-VAN BOGAERT-BERTRAND DISEASE. Identifiers: Orphanet 141, MedGen C0206307, MONDO:0010079, OMIM 271900.

Submission:

Natera, Inc.
Classification: Likely pathogenic for Canavan Disease. Last evaluated: 2024-03-15. Review status: criteria provided, single submitter. Criteria: Natera Variant Classification Schema (03/2026). Collection method: clinical testing. Allele origin: germline.
Comment: The c.475delC variant in ASPA is a frameshift variant predicted to shift the reading frame beginning at codon 159 and leads to a stop codon 12 codons downstream. This variant is expected to result in nonsense mediated decay, truncation, or a dysfunctional protein product. This variant is rare in the general population with a frequency below the threshold expected for the associated phenotype(s). Given the available evidence, this variant is classified as Likely Pathogenic.